The following is an entry in ClinVar:

NM_004977.3(KCNC3):c.2T>C (p.Met1Thr)

Genes: KCNC3 (potassium voltage-gated channel subfamily C member 3; minus strand), LOC111811967 (Sharpr-MPRA regulatory region 11330/13384; plus strand). Cytogenetic location: 19q13.33.
Variant type: single nucleotide variant.
Coding change: c.2T>C on transcript NM_004977.3 (MANE Select); coding-DNA position 2, T replaced by C.
Protein change: p.Met1Thr; changes the start codon (methionine 1).
Molecular consequence: missense variant, initiator codon variant.
Genome position (GRCh38, 1-based): chr19:50,329,081, A>G on the plus strand (T>C on the coding strand, the complement: KCNC3 is on the minus strand). VCF-style: chr19-50329081-A-G. GRCh37 (hg19) VCF-style: chr19-50832338-A-G.
Other names: short protein forms M1T.
Identifiers: ClinVar variation 1383727 (VCV001383727.8), dbSNP rs2037148621, ClinGen allele CA406957041.

ClinVar aggregate classification (germline): Uncertain significance (1 of 4 stars; one submission).

Allele frequency attached by ClinVar (database versions not stated): gnomAD exomes 0.00001.

Submission:

Labcorp Genetics (formerly Invitae), Labcorp
Classification: Uncertain significance. Last evaluated: 2022-11-01. Review status: criteria provided, single submitter. Criteria: Invitae Variant Classification Sherloc (09022015). Collection method: clinical testing. Allele origin: germline.
Comment: This sequence change affects the initiator methionine of the KCNC3 mRNA. The next in-frame methionine is located at codon 77. The frequency data for this variant in the population databases is considered unreliable, as metrics indicate insufficient coverage at this position in the gnomAD database. This variant has not been reported in the literature in individuals affected with KCNC3-related conditions. ClinVar contains an entry for this variant (Variation ID: 1383727). In summary, the available evidence is currently insufficient to determine the role of this variant in disease. Therefore, it has been classified as a Variant of Uncertain Significance.